The following is an entry in ClinVar:

ClinVar aggregate classification (germline): Uncertain significance (1 of 4 stars; one submission).

Conditions:
Hereditary cancer-predisposing syndrome. Also called: Neoplastic Syndromes, Hereditary; Tumor predisposition; Hereditary Cancer Syndrome; Hereditary neoplastic syndrome. Identifiers: Orphanet 140162, MedGen C0027672, MeSH D009386, MONDO:0015356.

Submission:

Ambry Genetics
Classification: Uncertain significance for Hereditary cancer-predisposing syndrome. Last evaluated: 2020-01-29. Review status: criteria provided, single submitter. Criteria: Ambry Variant Classification Scheme 2023. Collection method: clinical testing. Allele origin: germline.
Comment: The c.-1G>A variant is located in the 5' untranslated region (5&rsquo; UTR) of the NBN gene. This variant results from a G to A substitution 1 bases upstream from the first translated codon. This nucleotide position is poorly conserved in available vertebrate species. Since supporting evidence is limited at this time, the clinical significance of this alteration remains unclear.

NM_002485.5(NBN):c.-1G>A

Gene: NBN (nibrin; minus strand). Cytogenetic location: 8q21.3.
Variant type: single nucleotide variant.
Coding change: c.-1G>A on transcript NM_002485.5 (MANE Select); 1 bases upstream of the start codon, G replaced by A.
Molecular consequence: 5 prime UTR variant.
Genome position (GRCh38, 1-based): chr8:89,984,562, C>T on the plus strand (G>A on the coding strand, the complement: NBN is on the minus strand). VCF-style: chr8-89984562-C-T. GRCh37 (hg19) VCF-style: chr8-90996790-C-T.
Other names: c.-297G>A (NM_001024688.3).
Identifiers: ClinVar variation 1784209 (VCV001784209.2), dbSNP rs199893749, ClinGen allele CA2580079464.